The following is an entry in ClinVar:

NM_016292.3(TRAP1):c.1102C>T (p.Arg368Cys)

Gene: TRAP1 (TNF receptor associated protein 1; minus strand). Cytogenetic location: 16p13.3.
Variant type: single nucleotide variant.
Coding change: c.1102C>T on transcript NM_016292.3 (MANE Select); coding-DNA position 1102, C replaced by T.
Protein change: p.Arg368Cys; replaces arginine 368 with cysteine.
Molecular consequence: missense variant.
Genome position (GRCh38, 1-based): chr16:3,672,763, G>A on the plus strand (C>T on the coding strand, the complement: TRAP1 is on the minus strand). VCF-style: chr16-3672763-G-A. GRCh37 (hg19) VCF-style: chr16-3722764-G-A.
Other names: c.943C>T, p.Arg315Cys (NM_001272049.2); short protein forms R315C, R368C.
Identifiers: ClinVar variation 4691471 (VCV004691471.1).

ClinVar aggregate classification (germline): Uncertain significance (1 of 4 stars; one submission).

Submission:

Labcorp Genetics (formerly Invitae), Labcorp
Classification: Uncertain significance. Last evaluated: 2026-01-02. Review status: criteria provided, single submitter. Criteria: Invitae Variant Classification Sherloc (09022015). Collection method: clinical testing. Allele origin: germline.
Comment: This sequence change replaces arginine, which is basic and polar, with cysteine, which is neutral and slightly polar, at codon 368 of the TRAP1 protein (p.Arg368Cys). The frequency data for this variant in the population databases is considered unreliable, as metrics indicate poor data quality at this position in the gnomAD database. This variant has not been reported in the literature in individuals affected with TRAP1-related conditions. Invitae Evidence Modeling of protein sequence and biophysical properties (such as structural, functional, and spatial information, amino acid conservation, physicochemical variation, residue mobility, and thermodynamic stability) indicates that this missense variant is expected to disrupt TRAP1 protein function with a positive predictive value of 80%. In summary, the available evidence is currently insufficient to determine the role of this variant in disease. Therefore, it has been classified as a Variant of Uncertain Significance.